The following is an entry in ClinVar:

NM_002439.5(MSH3):c.2006G>T (p.Arg669Leu)

Gene: MSH3 (mutS homolog 3; plus strand). Cytogenetic location: 5q14.1.
Variant type: single nucleotide variant.
Coding change: c.2006G>T on transcript NM_002439.5 (MANE Select); coding-DNA position 2006, G replaced by T.
Protein change: p.Arg669Leu; replaces arginine 669 with leucine.
Molecular consequence: missense variant.
Genome position (GRCh38, 1-based): chr5:80,768,042, G>T. VCF-style: chr5-80768042-G-T. GRCh37 (hg19) VCF-style: chr5-80063861-G-T.
Other names: c.2006G>T (NM_002439.3); short protein forms R669L.
Identifiers: ClinVar variation 2717377 (VCV002717377.4), dbSNP rs372048303, ClinGen allele CA360277723.

ClinVar aggregate classification (germline): Uncertain significance. Review status: criteria provided, multiple submitters, no conflicts (2 of 4 stars). 2 submissions from 2 submitters: Uncertain significance (2). Last evaluated 2026-07-27.

Conditions:
Hereditary cancer-predisposing syndrome. Also called: Hereditary Cancer Syndrome; Hereditary neoplastic syndrome; Neoplastic Syndromes, Hereditary; Tumor predisposition. Identifiers: Orphanet 140162, MedGen C0027672, MeSH D009386, MONDO:0015356.

Submissions (2):

Ambry Genetics
Classification: Uncertain significance for Hereditary cancer-predisposing syndrome. Last evaluated: 2026-07-27. Review status: criteria provided, single submitter. Criteria: Ambry Variant Classification Scheme 2023. Collection method: clinical testing. Allele origin: germline.
Comment: The p.R669L variant (also known as c.2006G>T), located in coding exon 14 of the MSH3 gene, results from a G to T substitution at nucleotide position 2006. The arginine at codon 669 is replaced by leucine, an amino acid with dissimilar properties. This amino acid position is conserved. In addition, this alteration is predicted to be tolerated by in silico analysis. Based on the available evidence, the clinical significance of this variant remains unclear.

Labcorp Genetics (formerly Invitae), Labcorp
Classification: Uncertain significance. Last evaluated: 2023-06-16. Review status: criteria provided, single submitter. Criteria: Invitae Variant Classification Sherloc (09022015). Collection method: clinical testing. Allele origin: germline.
Comment: In summary, the available evidence is currently insufficient to determine the role of this variant in disease. Therefore, it has been classified as a Variant of Uncertain Significance. An algorithm developed to predict the effect of missense changes on protein structure and function (PolyPhen-2) suggests that this variant is likely to be tolerated. This variant has not been reported in the literature in individuals affected with MSH3-related conditions. This sequence change replaces arginine, which is basic and polar, with leucine, which is neutral and non-polar, at codon 669 of the MSH3 protein (p.Arg669Leu). This variant is not present in population databases (gnomAD no frequency).